The following is an entry in ClinVar:

ClinVar aggregate classification (germline): Pathogenic (1 of 4 stars; one submission).

Conditions:
Salla disease (SD). Also called: Less Severe FSASD (Salla Disease); Sialuria, Finnish type; N-acetylneuraminic acid (NANA) storage disease (NSD); Infantile sialic acid storage disorder (ISSD). Identifiers: Orphanet 309334, Orphanet 834, MedGen C1096903, MONDO:0011449, OMIM 604369.

Submission:

Labcorp Genetics (formerly Invitae), Labcorp
Classification: Pathogenic for Salla disease. Last evaluated: 2021-02-19. Review status: criteria provided, single submitter. Criteria: Invitae Variant Classification Sherloc (09022015). Collection method: clinical testing. Allele origin: germline.
Comment: This variant has not been reported in the literature in individuals with SLC17A5-related conditions. For these reasons, this variant has been classified as Pathogenic. This sequence change creates a premature translational stop signal (p.Leu289Ilefs*63) in the SLC17A5 gene. It is expected to result in an absent or disrupted protein product. Loss-of-function variants in SLC17A5 are known to be pathogenic (PMID: 10581036, 10947946, 15172001). This variant is not present in population databases (ExAC no frequency).

Literature cited by the submitters: PubMed 10581036; PubMed 10947946; PubMed 15172001.

NM_012434.5(SLC17A5):c.860_863dup (p.Leu289fs)

Gene: SLC17A5 (solute carrier family 17 member 5; minus strand). Cytogenetic location: 6q13.
Variant type: Duplication.
Coding change: c.860_863dup on transcript NM_012434.5 (MANE Select); coding-DNA positions 860 to 863, 4 bases duplicated (AATC; older notation c.860_863dupAATC).
Protein change: p.Leu289fs; shifts the reading frame from leucine 289.
Molecular consequence: frameshift variant. On other transcripts: intron variant (1).
Genome position (GRCh38, 1-based): chr6:73,621,919-73,621,922, GATT duplicated on the plus strand (AATC on the coding strand, the reverse complement: SLC17A5 is on the minus strand). VCF-style (leftmost placement, unchanged base first): chr6-73621918-G-GGATT. GRCh37 (hg19) VCF-style: chr6-74331641-G-GGATT.
Other names: c.820-6475_820-6472dup (NM_001382634.1); c.629_632dup, p.Leu212fs (NM_001382629.1); c.860_863dup, p.Leu289fs (NM_001382630.1, NM_001382633.1); c.881_884dup, p.Leu296fs (NM_001382631.1); c.773_776dup, p.Leu260fs (NM_001382632.1); c.857_860dup, p.Leu288fs (NM_001382635.1); c.542_545dup, p.Leu183fs (NM_001382636.1); short protein forms L296fs, L260fs, L183fs, L212fs, L288fs, L289fs.
Identifiers: ClinVar variation 1412336 (VCV001412336.6), dbSNP rs2150099393, ClinGen allele CA2573141128.